The following is an entry in ClinVar:

NM_003070.5(SMARCA2):c.689A>C (p.Gln230Pro)

Gene: SMARCA2 (SWI/SNF related BAF chromatin remodeling complex subunit ATPase 2; plus strand). Cytogenetic location: 9p24.3.
Variant type: single nucleotide variant.
Coding change: c.689A>C on transcript NM_003070.5 (MANE Select); coding-DNA position 689, A replaced by C.
Protein change: p.Gln230Pro; replaces glutamine 230 with proline.
Molecular consequence: missense variant.
Genome position (GRCh38, 1-based): chr9:2,039,799, A>C. VCF-style: chr9-2039799-A-C. GRCh37 (hg19) VCF-style: chr9-2039799-A-C.
Other names: c.689A>C, p.Gln230Pro (NM_001289396.2, NM_001289397.2, NM_139045.4); short protein forms Q230P.
Identifiers: ClinVar variation 912949 (VCV000912949.40), dbSNP rs145635937, ClinGen allele CA4962941.

ClinVar aggregate classification (germline): Benign/Likely benign. Review status: criteria provided, multiple submitters, no conflicts (2 of 4 stars). 6 submissions from 6 submitters: Benign (3); Likely benign (3). Last evaluated 2026-08-01.

Conditions:
Nicolaides-Baraitser syndrome (NCBRS). Also called: SMARCA2-Related Nicolaides-Baraitser Syndrome; Intellectual disability-sparse hair-brachydactyly syndrome. Identifiers: Orphanet 3051, MedGen C1303073, MONDO:0011053, OMIM 601358.
Inborn genetic diseases. Identifiers: MedGen C0950123, MeSH D030342.

Allele frequency attached by ClinVar (database versions not stated): gnomAD 0.00034 and 0.00035; ExAC 0.00037; gnomAD exomes 0.00038 and 0.00041; TOPMed 0.00052.
gnomAD v4.1: 652 of 1,604,802 alleles (0.041%); highest among the groups gnomAD compares: Middle Eastern, 0.27%; 1 homozygote.

Submissions (6):

CeGaT Center for Human Genetics Tuebingen
Classification: Likely benign. Last evaluated: 2026-08-01. Review status: criteria provided, single submitter. Criteria: CeGaT Center For Human Genetics Tuebingen Variant Classification Criteria Version 2. Collection method: clinical testing. Allele origin: germline. Affected: yes. Observed: 5 variant alleles.
Comment: SMARCA2: PP2, BP4, BS1

Blueprint Genetics
Classification: Likely benign. Last evaluated: 2024-11-19. Review status: criteria provided, single submitter. Criteria: ACMG Guidelines, 2015. Collection method: clinical testing. Allele origin: germline.

GeneDx
Classification: Benign. Last evaluated: 2021-03-01. Review status: criteria provided, single submitter. Criteria: GeneDx Variant Classification Process June 2021. Collection method: clinical testing. Allele origin: germline. Affected: yes.
Comment: This variant is associated with the following publications: (PMID: 31288860)

Ambry Genetics
Classification: Likely benign for Inborn genetic diseases. Last evaluated: 2018-01-30. Review status: criteria provided, single submitter. Criteria: Ambry Variant Classification Scheme 2023. Collection method: clinical testing. Allele origin: germline.

Illumina Laboratory Services, Illumina
Classification: Benign for Nicolaides-Baraitser syndrome. Last evaluated: 2018-01-13. Review status: criteria provided, single submitter. Criteria: ICSL Variant Classification Criteria 13 December 2019. Collection method: clinical testing. Allele origin: germline.
Comment: This variant was observed in the ICSL laboratory as part of a predisposition screen in an ostensibly healthy population. It had not been previously curated by ICSL or reported in the Human Gene Mutation Database (HGMD: prior to June 1st, 2018), and was therefore a candidate for classification through an automated scoring system. Utilizing variant allele frequency, disease prevalence and penetrance estimates, and inheritance mode, an automated score was calculated to assess if this variant is too frequent to cause the disease. Based on the score and internal cut-off values, a variant classified as benign is not then subjected to further curation. The score for this variant resulted in a classification of benign for this disease.

Breakthrough Genomics
Classification: Benign. Review status: criteria provided, single submitter. Criteria: ACMG Guidelines, 2015. Collection method: not provided. Allele origin: germline. Inheritance: Autosomal dominant inheritance. Affected: yes.